The following is an entry in ClinVar:

ClinVar aggregate classification (germline): Uncertain significance. Review status: criteria provided, multiple submitters, no conflicts (2 of 4 stars). 2 submissions from 2 submitters: Uncertain significance (2). Last evaluated 2022-01-19.

Allele frequency attached by ClinVar (database versions not stated): gnomAD exomes 0.00002; ExAC 0.00001.
gnomAD v4.1: 4 of 1,613,662 alleles (0.00025%); highest among the groups gnomAD compares: Admixed American, 0.0067%; no homozygotes.

Submissions (2):

GeneDx
Classification: Uncertain significance. Last evaluated: 2022-01-19. Review status: criteria provided, single submitter. Criteria: GeneDx Variant Classification Process June 2021. Collection method: clinical testing. Allele origin: germline. Affected: yes.
Comment: In silico analysis supports that this missense variant has a deleterious effect on protein structure/function; Has not been previously published as pathogenic or benign to our knowledge; Variants in candidate genes are classified as variants of uncertain significance in accordance with ACMG guidelines (Richards et al., 2015)

Labcorp Genetics (formerly Invitae), Labcorp
Classification: Uncertain significance. Last evaluated: 2022-01-07. Review status: criteria provided, single submitter. Criteria: Invitae Variant Classification Sherloc (09022015). Collection method: clinical testing. Allele origin: germline.
Comment: In summary, the available evidence is currently insufficient to determine the role of this variant in disease. Therefore, it has been classified as a Variant of Uncertain Significance. Algorithms developed to predict the effect of missense changes on protein structure and function are either unavailable or do not agree on the potential impact of this missense change (SIFT: "Deleterious"; PolyPhen-2: "Not Available"; Align-GVGD: "Class C0"). This variant has not been reported in the literature in individuals affected with PCLO-related conditions. This variant is present in population databases (rs761032502, gnomAD 0.01%). This sequence change replaces glutamine, which is neutral and polar, with histidine, which is basic and polar, at codon 4186 of the PCLO protein (p.Gln4186His).

NM_033026.6(PCLO):c.12558A>T (p.Gln4186His)

Gene: PCLO (piccolo presynaptic cytomatrix protein; minus strand). Cytogenetic location: 7q21.11.
Variant type: single nucleotide variant.
Coding change: c.12558A>T on transcript NM_033026.6 (MANE Select); coding-DNA position 12558, A replaced by T.
Protein change: p.Gln4186His; replaces glutamine 4186 with histidine.
Molecular consequence: missense variant.
Genome position (GRCh38, 1-based): chr7:82,915,428, T>A on the plus strand (A>T on the coding strand, the complement: PCLO is on the minus strand). VCF-style: chr7-82915428-T-A. GRCh37 (hg19) VCF-style: chr7-82544744-T-A.
Other names: c.12558A>T, p.Gln4186His (NM_014510.3); c.12558A>T (NM_033026.5); short protein forms Q4186H.
Identifiers: ClinVar variation 1444088 (VCV001444088.7), dbSNP rs761032502, ClinGen allele CA4319352.
Genomic context (GRCh38, chr7:82,915,428, plus strand): 5'-AATAGGTGAAAATTTTGACATTTTAGGGTCAATTAGTGATTTCTTATGCTTTGACTGCTT[T>A]TGATAAAGTATGGCTGCTGGCAGTTGTTTTGCTGCTTGTTTTTCAAGTGTGAGTCTACTG-3'
Protein context (NP_149015.2, residues 4176-4196): AKQLPAAILY[Gln4186His]KQSKHKKSLI